The following is an entry in ClinVar:

ClinVar aggregate classification (germline): Conflicting classifications of pathogenicity. Review status: criteria provided, conflicting classifications (1 of 4 stars). 4 submissions from 4 submitters: Uncertain significance (2); Likely benign (2). Last evaluated 2023-11-30.

Conditions:
Hereditary breast ovarian cancer syndrome. Also called: BRCA1- and BRCA2-Associated Hereditary Breast and Ovarian Cancer; Breast and ovarian cancer; Hereditary breast and ovarian cancer syndrome; Hereditary breast and ovarian cancer; Hereditary breast and ovarian cancer syndrome (HBOC); Hereditary breast and/or ovarian cancer syndrome. Identifiers: Orphanet 145, MedGen C0677776, MeSH D061325, MONDO:0003582. Disease mechanism: loss of function.
Hereditary cancer-predisposing syndrome. Also called: Hereditary Cancer Syndrome; Tumor predisposition; Neoplastic Syndromes, Hereditary; Hereditary neoplastic syndrome. Identifiers: Orphanet 140162, MedGen C0027672, MeSH D009386, MONDO:0015356.

Allele frequency attached by ClinVar (database versions not stated): gnomAD exomes below 0.00001.
gnomAD v4.1: 1 of 1,613,968 alleles (0.000062%); highest among the groups gnomAD compares: South Asian, 0.0011%; no homozygotes.

Submissions (4):

Ambry Genetics
Classification: Uncertain significance for Hereditary cancer-predisposing syndrome. Last evaluated: 2023-11-30. Review status: criteria provided, single submitter. Criteria: Ambry Variant Classification Scheme 2023. Collection method: clinical testing. Allele origin: germline.
Comment: The p.E1017K variant (also known as c.3049G>A), located in coding exon 9 of the BRCA1 gene, results from a G to A substitution at nucleotide position 3049. The glutamic acid at codon 1017 is replaced by lysine, an amino acid with similar properties. This alteration was detected in a study of 11,386 Chinese Han individuals over 19 years of age without history of cancer undergoing routine health examinations (Dong H et al. J Med Genet, 2021 Aug;58:565-569). This amino acid position is not well conserved in available vertebrate species. In addition, the in silico prediction for this alteration is inconclusive. Since supporting evidence is limited at this time, the clinical significance of this alteration remains unclear.

University of Washington Department of Laboratory Medicine, University of Washington
Classification: Likely benign for Hereditary cancer-predisposing syndrome. Last evaluated: 2023-03-23. Review status: criteria provided, single submitter. Criteria: Dines et al. (Genet Med. 2020). Collection method: curation. Allele origin: germline.
Comment: Missense variant in a coldspot region where missense variants are very unlikely to be pathogenic (PMID:31911673).

BRCA1 coldspot (exon 11 using historical exon numbering). Reclassification based on statistical prior probability

Blueprint Genetics
Classification: Likely benign. Last evaluated: 2023-02-22. Review status: criteria provided, single submitter. Criteria: ACMG Guidelines, 2015. Collection method: clinical testing. Allele origin: germline.

Labcorp Genetics (formerly Invitae), Labcorp
Classification: Uncertain significance for Hereditary breast ovarian cancer syndrome. Last evaluated: 2019-11-05. Review status: criteria provided, single submitter. Criteria: Invitae Variant Classification Sherloc (09022015). Collection method: clinical testing. Allele origin: germline.
Comment: This sequence change replaces glutamic acid with lysine at codon 1017 of the BRCA1 protein (p.Glu1017Lys). The glutamic acid residue is moderately conserved and there is a small physicochemical difference between glutamic acid and lysine. This variant is not present in population databases (ExAC no frequency). This variant has not been reported in the literature in individuals with BRCA1-related conditions. Algorithms developed to predict the effect of missense changes on protein structure and function output the following: SIFT: "Tolerated"; PolyPhen-2: "Benign"; Align-GVGD: "Class C0". The lysine amino acid residue is found in multiple mammalian species, suggesting that this missense change does not adversely affect protein function. These predictions have not been confirmed by published functional studies and their clinical significance is uncertain. In summary, the available evidence is currently insufficient to determine the role of this variant in disease. Therefore, it has been classified as a Variant of Uncertain Significance.

Literature cited by the submitters: PubMed 32467295 (cited by Ambry Genetics).

NM_007294.4(BRCA1):c.3049G>A (p.Glu1017Lys)

Gene: BRCA1 (BRCA1 DNA repair associated; minus strand). Cytogenetic location: 17q21.31.
Variant type: single nucleotide variant.
Coding change: c.3049G>A on transcript NM_007294.4 (MANE Select); coding-DNA position 3049, G replaced by A.
Protein change: p.Glu1017Lys; replaces glutamic acid 1017 with lysine.
Molecular consequence: missense variant. On other transcripts: intron variant (137).
Genome position (GRCh38, 1-based): chr17:43,092,482, C>T on the plus strand (G>A on the coding strand, the complement: BRCA1 is on the minus strand). VCF-style: chr17-43092482-C-T. GRCh37 (hg19) VCF-style: chr17-41244499-C-T.
Other names: c.2968G>A, p.Glu990Lys (NM_001407661.1, NM_001407662.1, NM_001407659.1 and 1 more transcripts); c.2971G>A, p.Glu991Lys (NM_001407663.1, NM_001407653.1, NM_001407654.1 and 4 more transcripts); c.2926G>A, p.Glu976Lys (NM_001407664.1, NM_001407665.1, NM_001407666.1 and 19 more transcripts); c.2923G>A, p.Glu975Lys (NM_001407670.1, NM_001407685.1, NM_001407686.1 and 11 more transcripts); c.3049G>A, p.Glu1017Lys (NM_001407684.1, NM_001407854.1, NM_001407858.1 and 30 more transcripts); c.2908G>A, p.Glu970Lys (NM_001407725.1, NM_001407726.1, NM_001407727.1 and 29 more transcripts); c.2905G>A, p.Glu969Lys (NM_001407744.1, NM_001407745.1, NM_001407746.1 and 20 more transcripts); c.2836G>A, p.Glu946Lys (NM_001407853.1, NM_001407894.1, NM_001407895.1 and 9 more transcripts); and 41 more; short protein forms E970K, E1017K, E721K, E906K, E928K, E950K, E975K, E1014K.
Identifiers: ClinVar variation 970579 (VCV000970579.15), dbSNP rs80357004, ClinGen allele CA10595894.